The following is an entry in ClinVar:

NM_147127.5(EVC2):c.7C>T (p.Pro3Ser)

Gene: EVC2 (EvC ciliary complex subunit 2; minus strand). Cytogenetic location: 4p16.2.
Variant type: single nucleotide variant.
Coding change: c.7C>T on transcript NM_147127.5 (MANE Select); coding-DNA position 7, C replaced by T.
Protein change: p.Pro3Ser; replaces proline 3 with serine.
Molecular consequence: missense variant. On other transcripts: intron variant (1).
Genome position (GRCh38, 1-based): chr4:5,708,507, G>A on the plus strand (C>T on the coding strand, the complement: EVC2 is on the minus strand). VCF-style: chr4-5708507-G-A. GRCh37 (hg19) VCF-style: chr4-5710234-G-A.
Other names: c.-13+322C>T (NM_001166136.2); short protein forms P3S.
Identifiers: ClinVar variation 3749222 (VCV003749222.2).

ClinVar aggregate classification (germline): Uncertain significance (1 of 4 stars; one submission).

Conditions:
Ellis-van Creveld syndrome (EVC). Also called: EVC-Related Ellis-van Creveld Syndrome; EVC2-Related Ellis-van Creveld Syndrome; MESOECTODERMAL DYSPLASIA; Chondroectodermal dysplasia. Identifiers: Orphanet 289, MedGen C0013903, MONDO:0009162, OMIM 225500.
Curry-Hall syndrome (WAD). Also called: WEYERS ACRODENTAL DYSOSTOSIS. Identifiers: Orphanet 952, MedGen C0457013, MONDO:0008673, OMIM 193530.

gnomAD v4.1: 2 of 1,474,744 alleles (0.00014%); highest among the groups gnomAD compares: African/African-American, 0.0015%; no homozygotes.

Submission:

Labcorp Genetics (formerly Invitae), Labcorp
Classification: Uncertain significance for Curry-Hall syndrome; Ellis-van Creveld syndrome. Last evaluated: 2024-08-21. Review status: criteria provided, single submitter. Criteria: Invitae Variant Classification Sherloc (09022015). Collection method: clinical testing. Allele origin: germline.
Comment: This sequence change replaces proline, which is neutral and non-polar, with serine, which is neutral and polar, at codon 3 of the EVC2 protein (p.Pro3Ser). This variant is not present in population databases (gnomAD no frequency). This variant has not been reported in the literature in individuals affected with EVC2-related conditions. An algorithm developed to predict the effect of missense changes on protein structure and function outputs the following: PolyPhen-2: "Benign". The serine amino acid residue is found in multiple mammalian species, which suggests that this missense change does not adversely affect protein function. In summary, the available evidence is currently insufficient to determine the role of this variant in disease. Therefore, it has been classified as a Variant of Uncertain Significance.